The following is an entry in ClinVar:

ClinVar aggregate classification (germline): Pathogenic. Review status: criteria provided, multiple submitters, no conflicts (2 of 4 stars). 2 submissions from 2 submitters: Pathogenic (2). Last evaluated 2024-09-03.

Conditions:
Cardiovascular phenotype. Identifiers: MedGen CN230736.
Charcot-Marie-Tooth disease type 2. Also called: Charcot-Marie-Tooth type 2. Identifiers: Orphanet 64746, MedGen C0270914, MONDO:0018993.

Submissions (2):

Labcorp Genetics (formerly Invitae), Labcorp
Classification: Pathogenic for Charcot-Marie-Tooth disease type 2. Last evaluated: 2024-09-03. Review status: criteria provided, single submitter. Criteria: Invitae Variant Classification Sherloc (09022015). Collection method: clinical testing. Allele origin: germline.
Comment: This sequence change creates a premature translational stop signal (p.Lys122*) in the LMNA gene. It is expected to result in an absent or disrupted protein product. Loss-of-function variants in LMNA are known to be pathogenic (PMID: 18585512, 18926329). This variant is not present in population databases (gnomAD no frequency). This variant has not been reported in the literature in individuals affected with LMNA-related conditions. ClinVar contains an entry for this variant (Variation ID: 2162192). For these reasons, this variant has been classified as Pathogenic.

Ambry Genetics
Classification: Pathogenic for Cardiovascular phenotype. Last evaluated: 2024-01-17. Review status: criteria provided, single submitter. Criteria: Ambry Variant Classification Scheme 2023. Collection method: clinical testing. Allele origin: germline.
Comment: The p.K122* pathogenic mutation (also known as c.364A>T), located in coding exon 2 of the LMNA gene, results from an A to T substitution at nucleotide position 364. This changes the amino acid from a lysine to a stop codon within coding exon 2. This alteration has been observed in at least one individual with a personal and/or family history that is consistent with LMNA-related disease (Ambry internal data). This variant is considered to be rare based on population cohorts in the Genome Aggregation Database (gnomAD). This alteration is expected to result in loss of function by premature protein truncation or nonsense-mediated mRNA decay. As such, this alteration is interpreted as a disease-causing mutation.

Literature cited by the submitters: PubMed 18585512 (cited by Labcorp Genetics (formerly Invitae), Labcorp); PubMed 18926329 (cited by Labcorp Genetics (formerly Invitae), Labcorp).

NM_170707.4(LMNA):c.364A>T (p.Lys122Ter)

Genes: LMNA (lamin A/C; plus strand), LOC126805877 (MED14-independent group 3 enhancer GRCh37_chr1:156099693-156100892; plus strand). Cytogenetic location: 1q22.
Variant type: single nucleotide variant.
Coding change: c.364A>T on transcript NM_170707.4 (MANE Select); coding-DNA position 364, A replaced by T.
Protein change: p.Lys122Ter; replaces lysine 122 with a stop codon.
Molecular consequence: nonsense.
Genome position (GRCh38, 1-based): chr1:156,130,624, A>T. VCF-style: chr1-156130624-A-T. GRCh37 (hg19) VCF-style: chr1-156100415-A-T.
Other names: c.28A>T, p.Lys10Ter (NM_001257374.3, NM_001406989.1, NM_001406998.1); c.121A>T, p.Lys41Ter (NM_001282624.2, NM_001406986.1, NM_001406987.1); c.364A>T, p.Lys122Ter (NM_001282625.2, NM_001282626.2, NM_001406983.1 and 6 more transcripts); c.67A>T, p.Lys23Ter (NM_001406988.1); c.-195A>T (NM_001406993.1, NM_001406996.1, NM_001406997.1 and 1 more transcripts); c.-301A>T (NM_001406994.1, NM_001406999.1, NM_001407000.1); short protein forms K10*, K122*, K23*, K41*.
Identifiers: ClinVar variation 2162192 (VCV002162192.5), dbSNP rs1222398892, ClinGen allele CA342814995.